The following is an entry in ClinVar:

ClinVar aggregate classification (germline): Pathogenic/Likely pathogenic. Review status: criteria provided, multiple submitters, no conflicts (2 of 4 stars). 8 submissions from 8 submitters: Pathogenic (3); Likely pathogenic (3). 2 of the submissions do not count toward it. Last evaluated 2025-03-21.

Conditions:
PMM2-congenital disorder of glycosylation. Also called: Congenital disorder of glycosylation, type Ia; PHOSPHOMANNOMUTASE 2 DEFICIENCY; CDG Ia; JAEKEN SYNDROME; CARBOHYDRATE-DEFICIENT GLYCOPROTEIN SYNDROME, TYPE Ia; PMM2-CDG. Identifiers: Orphanet 79318, MedGen C0349653, MONDO:0008907, OMIM 212065.

gnomAD v4.1: 1 of 1,613,360 alleles (0.000062%); highest among the groups gnomAD compares: South Asian, 0.0011%; no homozygotes.

Submissions (8):

GeneDx
Classification: Pathogenic. Last evaluated: 2025-03-21. Review status: criteria provided, single submitter. Criteria: GeneDx Variant Classification Process June 2021. Collection method: clinical testing. Allele origin: germline. Affected: yes.
Comment: Published functional studies found this variant is associated with significantly reduced enzyme activity (PMID: 35789514); Observed as homozygous or with a second variant in PMM2 in individuals with developmental delay; detailed clinical information was not provided for these individuals (PMID: 21937992, 33726816, 32005694); Not observed at significant frequency in large population cohorts (gnomAD); In silico analysis supports that this missense variant has a deleterious effect on protein structure/function; This variant is associated with the following publications: (PMID: 35789514, 32005694, 21937992, 33726816)

Natera, Inc.
Classification: Likely pathogenic for Congenital disorder of glycosylation type 1a. Last evaluated: 2025-03-07. Review status: criteria provided, single submitter. Criteria: Natera Variant Classification Schema (03/2026). Collection method: clinical testing. Allele origin: germline.
Comment: The c.317A>T variant in PMM2 is a missense variant predicted to cause substitution of tyrosine to phenylalanine at amino acid 106. This variant is rare in the general population with a frequency below the threshold expected for the associated phenotype(s). This variant has been observed in one or more individuals affected with the associated recessive disease, as either homozygous or compound heterozygous with a second variant (PMID: 32005694, 21937992). Additionally, this variant has been observed to segregate in affected family members (PMID: 21937992). Computational prediction algorithms indicate this variant is likely to affect gene or protein function. Given the available evidence, this variant is classified as Likely Pathogenic.

Myriad Genetics, Inc.
Classification: Likely pathogenic for PMM2-congenital disorder of glycosylation. Last evaluated: 2025-02-20. Review status: criteria provided, single submitter. Criteria: Myriad Autosomal Dominant, Autosomal Recessive and X-Linked Classification Criteria (2023). Collection method: clinical testing. Allele origin: unknown.
Comment: NM_000303.2(PMM2):c.317A>T(Y106F) is a missense variant classified as likely pathogenic in the context of congenital disorder of glycosylation, PMM2-related. Y106F has been observed in cases with relevant disease (PMID: 21937992, 35789514, 33726816). Relevant functional assessments of this variant are not available in the literature. Y106F has been observed in referenced population frequency databases. In summary, NM_000303.2(PMM2):c.317A>T(Y106F) is a missense variant that has been observed more frequently in cases with the relevant disease than in healthy populations. Please note: this variant was assessed in the context of healthy population screening.

Mendelics
Classification: Pathogenic for PMM2-congenital disorder of glycosylation. Last evaluated: 2022-05-04. Review status: criteria provided, single submitter. Criteria: Mendelics Assertion Criteria 2019. Collection method: clinical testing. Allele origin: germline.

Centre for Inherited Metabolic Diseases, Karolinska University Hospital
Classification: Likely pathogenic for PMM2-congenital disorder of glycosylation. Last evaluated: 2020-04-02. Review status: criteria provided, single submitter. Criteria: ACMG Guidelines, 2015. Collection method: clinical testing. Allele origin: germline. Inheritance: Autosomal recessive inheritance. Affected: yes. Observed: 1 homozygote.

Kariminejad - Najmabadi Pathology & Genetics Center
Classification: Pathogenic for PMM2-congenital disorder of glycosylation. Review status: criteria provided, single submitter. Criteria: ACMG Guidelines, 2015. Collection method: clinical testing. Allele origin: germline. Affected: no.

Counsyl
Classification: Uncertain significance for PMM2-congenital disorder of glycosylation. Last evaluated: 2018-03-24. Review status: no assertion criteria provided. Collection method: clinical testing. Allele origin: unknown. Not counted in ClinVar's aggregate classification.

OMIM
Classification: Pathogenic for CONGENITAL DISORDER OF GLYCOSYLATION, TYPE Ia. Last evaluated: 2011-09-21. Review status: no assertion criteria provided. Collection method: literature only. Allele origin: germline. Not counted in ClinVar's aggregate classification.

Literature cited by the submitters: PubMed 32005694 (cited by Natera, Inc.); PubMed 21937992 (cited by 4 submitters); PubMed 33726816 (cited by Myriad Genetics, Inc.); PubMed 35789514 (cited by Myriad Genetics, Inc.).

NM_000303.3(PMM2):c.317A>T (p.Tyr106Phe)

Gene: PMM2 (phosphomannomutase 2; plus strand). Cytogenetic location: 16p13.2.
Variant type: single nucleotide variant.
Coding change: c.317A>T on transcript NM_000303.3 (MANE Select); coding-DNA position 317, A replaced by T.
Protein change: p.Tyr106Phe; replaces tyrosine 106 with phenylalanine.
Molecular consequence: missense variant.
Genome position (GRCh38, 1-based): chr16:8,806,377, A>T. VCF-style: chr16-8806377-A-T. GRCh37 (hg19) VCF-style: chr16-8900234-A-T.
Other names: short protein forms Y106F.
Identifiers: ClinVar variation 30225 (VCV000030225.11), dbSNP rs387906824, ClinGen allele CA259765.